The following is an entry in ClinVar:

NM_001379180.1(ESRRB):c.*2574C>A

Gene: ESRRB (estrogen related receptor beta; plus strand). Cytogenetic location: 14q24.3.
Variant type: single nucleotide variant.
Coding change: c.*2574C>A on transcript NM_001379180.1 (MANE Select); 2574 bases downstream of the stop codon, C replaced by A.
Molecular consequence: 3 prime UTR variant.
Genome position (GRCh38, 1-based): chr14:76,501,032, C>A. VCF-style: chr14-76501032-C-A. GRCh37 (hg19) VCF-style: chr14-76967375-C-A.
Other names: c.*311C>A (NM_004452.4).
Identifiers: ClinVar variation 314493 (VCV000314493.8), dbSNP rs8017684, ClinGen allele CA10646265.

ClinVar aggregate classification (germline): Benign. Review status: criteria provided, multiple submitters, no conflicts (2 of 4 stars). 3 submissions from 3 submitters: Benign (3). Last evaluated 2018-12-10.

Conditions:
Autosomal recessive nonsyndromic hearing loss 35. Identifiers: Orphanet 90636, MedGen C1837857, MONDO:0012060, OMIM 608565.

Allele frequency attached by ClinVar (database versions not stated): 1000 Genomes Project 0.04673; 1000 Genomes Project 30x 0.04856; TOPMed 0.04882.
gnomAD v4.1: 8,411 of 461,774 alleles (1.8%); highest among the groups gnomAD compares: African/African-American, 15%; 601 homozygotes.

Submissions (3):

GeneDx
Classification: Benign. Last evaluated: 2018-12-10. Review status: criteria provided, single submitter. Criteria: GeneDx Variant Classification Process June 2021. Collection method: clinical testing. Allele origin: germline. Affected: yes.

Illumina Laboratory Services, Illumina
Classification: Benign for Autosomal recessive nonsyndromic hearing loss 35. Last evaluated: 2018-01-13. Review status: criteria provided, single submitter. Criteria: ICSL Variant Classification Criteria 13 December 2019. Collection method: clinical testing. Allele origin: germline.
Comment: This variant was observed in the ICSL laboratory as part of a predisposition screen in an ostensibly healthy population. It had not been previously curated by ICSL or reported in the Human Gene Mutation Database (HGMD: prior to June 1st, 2018), and was therefore a candidate for classification through an automated scoring system. Utilizing variant allele frequency, disease prevalence and penetrance estimates, and inheritance mode, an automated score was calculated to assess if this variant is too frequent to cause the disease. Based on the score and internal cut-off values, a variant classified as benign is not then subjected to further curation. The score for this variant resulted in a classification of benign for this disease.

Breakthrough Genomics
Classification: Benign. Review status: criteria provided, single submitter. Criteria: ACMG Guidelines, 2015. Collection method: not provided. Allele origin: germline. Inheritance: Autosomal recessive inheritance. Affected: yes.